The following is an entry in ClinVar:

ClinVar aggregate classification (germline): Uncertain significance. Review status: criteria provided, single submitter (1 of 4 stars). 2 submissions from 2 submitters: Uncertain significance (1). 1 of the submissions does not count toward it. Last evaluated 2025-05-16.

Conditions:
PLXNA1-related disorder. Also called: PLXNA1-related condition.

gnomAD v4.1: 22 of 1,613,156 alleles (0.0014%); highest among the groups gnomAD compares: South Asian, 0.0077%; no homozygotes.

Submissions (2):

Ambry Genetics
Classification: Uncertain significance. Last evaluated: 2025-05-16. Review status: criteria provided, single submitter. Criteria: Ambry Variant Classification Scheme 2023. Collection method: clinical testing. Allele origin: germline.

PreventionGenetics, part of Exact Sciences
Classification: Uncertain significance for PLXNA1-related condition. Last evaluated: 2024-03-27. Review status: no assertion criteria provided. Collection method: clinical testing. Allele origin: germline. Not counted in ClinVar's aggregate classification.
Comment: The PLXNA1 c.3313C>T variant is predicted to result in the amino acid substitution p.Arg1105Cys. To our knowledge, this variant has not been reported in the literature. This variant is reported in 0.013% of alleles in individuals of South Asian descent in gnomAD. At this time, the clinical significance of this variant is uncertain due to the absence of conclusive functional and genetic evidence.

NM_032242.4(PLXNA1):c.3313C>T (p.Arg1105Cys)

Gene: PLXNA1 (plexin A1; plus strand). Cytogenetic location: 3q21.3.
Variant type: single nucleotide variant.
Coding change: c.3313C>T on transcript NM_032242.4 (MANE Select); coding-DNA position 3313, C replaced by T.
Protein change: p.Arg1105Cys; replaces arginine 1105 with cysteine.
Molecular consequence: missense variant.
Genome position (GRCh38, 1-based): chr3:127,017,461, C>T. VCF-style: chr3-127017461-C-T. GRCh37 (hg19) VCF-style: chr3-126736304-C-T.
Other names: short protein forms R1105C.
Identifiers: ClinVar variation 3358119 (VCV003358119.2).
Genomic context (GRCh38, chr3:127,017,461, plus strand): 5'-AGCATCCCCACCCTGTGTCTCCAGGGCTGCCTGGTGTACAATGACACCACCATGGTATGC[C>T]GCGCCCCGTCTGTGGCCAACCCTGTGCGCAGCCCACCAGAGCTGGGGGAGCGGCCGGATG-3'
Protein context (NP_115618.3, residues 1095-1115): LVYNDTTMVC[Arg1105Cys]APSVANPVRS